The following is an entry in ClinVar:

NM_001009999.3(KDM1A):c.248C>T (p.Pro83Leu)

Gene: KDM1A (lysine demethylase 1A; plus strand). Cytogenetic location: 1p36.12.
Variant type: single nucleotide variant.
Coding change: c.248C>T on transcript NM_001009999.3 (MANE Select); coding-DNA position 248, C replaced by T.
Protein change: p.Pro83Leu; replaces proline 83 with leucine.
Molecular consequence: missense variant.
Genome position (GRCh38, 1-based): chr1:23,019,844, C>T. VCF-style: chr1-23019844-C-T. GRCh37 (hg19) VCF-style: chr1-23346337-C-T.
Other names: c.248C>T, p.Pro83Leu (NM_001363654.2, NM_001410762.1, NM_001410763.1 and 1 more transcripts); short protein forms P83L.
Identifiers: ClinVar variation 3697657 (VCV003697657.2).
Genomic context (GRCh38, chr1:23,019,844, plus strand): 5'-AAGAGCCTCCGCGGGCCTCGCCCCCCGGGGGCCTGGCGGAACCGCCGGGGTCCGCAGGGC[C>T]TCAGGCCGGCCCTACTGTCGTGCCTGGGTCTGCGACCCCCATGGAAACTGGAATAGCAGA-3'
Protein context (NP_001009999.1, residues 73-93): GLAEPPGSAG[Pro83Leu]QAGPTVVPGS

ClinVar aggregate classification (germline): Uncertain significance (1 of 4 stars; one submission).

gnomAD v4.1: 4 of 1,482,534 alleles (0.00027%); highest among the groups gnomAD compares: Non-Finnish European, 0.00036%; no homozygotes.

Submission:

Labcorp Genetics (formerly Invitae), Labcorp
Classification: Uncertain significance. Last evaluated: 2024-05-26. Review status: criteria provided, single submitter. Criteria: Invitae Variant Classification Sherloc (09022015). Collection method: clinical testing. Allele origin: germline.
Comment: This sequence change replaces proline, which is neutral and non-polar, with leucine, which is neutral and non-polar, at codon 83 of the KDM1A protein (p.Pro83Leu). This variant is not present in population databases (gnomAD no frequency). This variant has not been reported in the literature in individuals affected with KDM1A-related conditions. An algorithm developed to predict the effect of missense changes on protein structure and function (PolyPhen-2) suggests that this variant is likely to be tolerated. In summary, the available evidence is currently insufficient to determine the role of this variant in disease. Therefore, it has been classified as a Variant of Uncertain Significance.